The following is an entry in ClinVar:

NM_000321.3(RB1):c.358_362dup (p.Gln121fs)

Gene: RB1 (RB transcriptional corepressor 1; plus strand). Cytogenetic location: 13q14.2.
Variant type: Duplication.
Coding change: c.358_362dup on transcript NM_000321.3 (MANE Select); coding-DNA positions 358 to 362, 5 bases duplicated (CTACA; older notation c.358_362dupCTACA).
Protein change: p.Gln121fs; shifts the reading frame from glutamine 121.
Molecular consequence: frameshift variant.
Genome position (GRCh38, 1-based): chr13:48,342,692-48,342,696, CTACA duplicated. VCF-style (leftmost placement, unchanged base first): chr13-48342691-G-GCTACA. GRCh37 (hg19) VCF-style: chr13-48916827-G-GCTACA.
Other names: c.358_362dup, p.Gln121fs (NM_001407165.1, NM_001407166.1); c.358_362dupCTACA (NM_000321.2); short protein forms Q121fs.
Identifiers: ClinVar variation 3231237 (VCV003231237.2), dbSNP rs2542156233, ClinGen allele CA2825002188.
Genomic context (GRCh38, chr13:48,342,691, plus strand): 5'-GGGAATCTGTATCTTTATTGCAGCAGTTGACCTAGATGAGATGTCGTTCACTTTTACTGA[G>GCTACA]CTACAGAAAAACATAGAAATCAGGTAAAGTTTCTTGTATAAATATAAGCCTCTGCCATAA-3'

ClinVar aggregate classification (germline): Pathogenic. Review status: criteria provided, multiple submitters, no conflicts (2 of 4 stars). 2 submissions from 2 submitters: Pathogenic (2). Last evaluated 2024-05-20.

Conditions:
Hereditary cancer-predisposing syndrome. Also called: Neoplastic Syndromes, Hereditary; Tumor predisposition; Hereditary neoplastic syndrome; Hereditary Cancer Syndrome. Identifiers: Orphanet 140162, MedGen C0027672, MeSH D009386, MONDO:0015356.
Retinoblastoma (RB1). Also called: RETINOBLASTOMA, SOMATIC. Identifiers: Orphanet 790, MedGen C0035335, MeSH D012175, MONDO:0008380, OMIM 180200, HP:0009919. Disease mechanism: loss of function. Inheritance: Both sporadic and heritable forms are tested..

Submissions (2):

Genetic Diagnostic Laboratory, University of Pennsylvania School of Medicine
Classification: Pathogenic for Retinoblastoma. Last evaluated: 2024-05-20. Review status: criteria provided, single submitter. Criteria: ACMG Guidelines, 2015. Collection method: clinical testing. Allele origin: germline. Affected: yes. Observed: 1 variant allele.
Comment: Case and Pedigree Information: BILATERAL CASES:1, UNILATERAL CASES:0, TOTAL CASES:1, PEDIGREES:1. ACMG Codes Applied:PVS1, PM2

Ambry Genetics
Classification: Pathogenic for Hereditary cancer-predisposing syndrome. Last evaluated: 2023-12-26. Review status: criteria provided, single submitter. Criteria: Ambry Variant Classification Scheme 2023. Collection method: clinical testing. Allele origin: germline.
Comment: The c.358_362dupCTACA pathogenic mutation, located in coding exon 3 of the RB1 gene, results from a duplication of CTACA at nucleotide position 358, causing a translational frameshift with a predicted alternate stop codon (p.Q121Hfs*6). This alteration has been observed in at least one individual with a personal and/or family history that is consistent with RB1-related disease (Ambry internal data). This variant is considered to be rare based on population cohorts in the Genome Aggregation Database (gnomAD). This alteration is expected to result in loss of function by premature protein truncation or nonsense-mediated mRNA decay. As such, this alteration is interpreted as a disease-causing mutation.